The following is an entry in ClinVar:

ClinVar aggregate classification (germline): Uncertain significance (1 of 4 stars; one submission).

Conditions:
DICER1-related tumor predisposition. Also called: DICER1-related pleuropulmonary blastoma cancer predisposition syndrome; DICER1 syndrome. Identifiers: Orphanet 284343, MedGen C3839822, MONDO:0100216.

Submission:

Labcorp Genetics (formerly Invitae), Labcorp
Classification: Uncertain significance for DICER1-related tumor predisposition. Last evaluated: 2018-04-19. Review status: criteria provided, single submitter. Criteria: Invitae Variant Classification Sherloc (09022015). Collection method: clinical testing. Allele origin: germline.
Comment: This sequence change replaces asparagine with tyrosine at codon 1379 of the DICER1 protein (p.Asn1379Tyr). The asparagine residue is highly conserved and there is a large physicochemical difference between asparagine and tyrosine. This variant is not present in population databases (ExAC no frequency). This variant has not been reported in the literature in individuals with DICER1-related disease. Algorithms developed to predict the effect of missense changes on protein structure and function (SIFT, PolyPhen-2, Align-GVGD) all suggest that this variant is likely to be disruptive, but these predictions have not been confirmed by published functional studies and their clinical significance is uncertain. In summary, the available evidence is currently insufficient to determine the role of this variant in disease. Therefore, it has been classified as a Variant of Uncertain Significance.

NM_177438.3(DICER1):c.4135A>T (p.Asn1379Tyr)

Gene: DICER1 (dicer 1, ribonuclease III; minus strand). Cytogenetic location: 14q32.13.
Variant type: single nucleotide variant.
Coding change: c.4135A>T on transcript NM_177438.3 (MANE Select); coding-DNA position 4135, A replaced by T.
Protein change: p.Asn1379Tyr; replaces asparagine 1379 with tyrosine.
Molecular consequence: missense variant.
Genome position (GRCh38, 1-based): chr14:95,099,851, T>A on the plus strand (A>T on the coding strand, the complement: DICER1 is on the minus strand). VCF-style: chr14-95099851-T-A. GRCh37 (hg19) VCF-style: chr14-95566188-T-A.
Other names: c.4135A>T, p.Asn1379Tyr (NM_001195573.1, NM_001271282.3, NM_001291628.2 and 1 more transcripts); short protein forms N1379Y.
Identifiers: ClinVar variation 543600 (VCV000543600.10), dbSNP rs1555368579, ClinGen allele CA390871991.